The following is an entry in ClinVar:

NM_006231.4(POLE):c.6026_6027dup (p.Cys2010fs)

Gene: POLE (DNA polymerase epsilon, catalytic subunit; minus strand). Cytogenetic location: 12q24.33.
Variant type: Duplication.
Coding change: c.6026_6027dup on transcript NM_006231.4 (MANE Select); coding-DNA positions 6026 to 6027, 2 bases duplicated (AC; older notation c.6026_6027dupAC).
Protein change: p.Cys2010fs; shifts the reading frame from cysteine 2010.
Molecular consequence: frameshift variant.
Genome position (GRCh38, 1-based): chr12:132,632,773-132,632,774, GT duplicated on the plus strand (AC on the coding strand, the reverse complement: POLE is on the minus strand); duplicating any 2 consecutive bases within chr12:132,632,773-132,632,775 gives the same sequence; the c. name uses the placement nearest the transcript's 3' end. VCF-style (leftmost placement, unchanged base first): chr12-132632772-A-AGT. GRCh37 (hg19) VCF-style: chr12-133209358-A-AGT.
Other names: short protein forms C2010fs.
Identifiers: ClinVar variation 1488056 (VCV001488056.6), dbSNP rs2138465301, ClinGen allele CA2573148248.

ClinVar aggregate classification (germline): Pathogenic (1 of 4 stars; one submission).

Submission:

Labcorp Genetics (formerly Invitae), Labcorp
Classification: Pathogenic. Last evaluated: 2023-12-07. Review status: criteria provided, single submitter. Criteria: Invitae Variant Classification Sherloc (09022015). Collection method: clinical testing. Allele origin: germline.
Comment: This sequence change creates a premature translational stop signal (p.Cys2010Thrfs*3) in the POLE gene. It is expected to result in an absent or disrupted protein product. Loss-of-function variants in POLE are known to be pathogenic (PMID: 23230001, 25948378, 30503519). This variant is not present in population databases (gnomAD no frequency). This variant has not been reported in the literature in individuals affected with POLE-related conditions. ClinVar contains an entry for this variant (Variation ID: 1488056). For these reasons, this variant has been classified as Pathogenic.

Literature cited by the submitters: PubMed 23230001; PubMed 25948378; PubMed 30503519.